The following is an entry in ClinVar:

ClinVar aggregate classification (germline): Pathogenic. Review status: criteria provided, single submitter (1 of 4 stars). 2 submissions from 2 submitters: Pathogenic (1). 1 of the submissions does not count toward it. Last evaluated 2025-06-26.

Conditions:
Stargardt disease (FFM). Also called: Stargardt's disease; Fundus flavimaculatus. Identifiers: Orphanet 827, MedGen C0271093, MONDO:0019353.

gnomAD v4.1: 1 of 1,612,692 alleles (0.000062%); no homozygotes.

Submissions (2):

GeneDx
Classification: Pathogenic. Last evaluated: 2025-06-26. Review status: criteria provided, single submitter. Criteria: GeneDx Variant Classification Process June 2021. Collection method: clinical testing. Allele origin: germline. Affected: yes.
Comment: Nonsense variant predicted to result in protein truncation or nonsense mediated decay in a gene for which loss of function is a known mechanism of disease; Not observed at significant frequency in large population cohorts (gnomAD); This variant is associated with the following publications: (PMID: 30718709)

Department of Clinical Genetics, Copenhagen University Hospital, Rigshospitalet
Classification: Likely pathogenic for Stargardt disease. Last evaluated: 2018-04-01. Review status: no assertion criteria provided. Collection method: research. Allele origin: unknown. Affected: yes. Study: VeluxRD. Not counted in ClinVar's aggregate classification.

Literature cited by the submitters: PubMed 30718709 (cited by Department of Clinical Genetics, Copenhagen University Hospital, Rigshospitalet).

NM_004183.4(BEST1):c.1030C>T (p.Gln344Ter)

Gene: BEST1 (bestrophin 1; plus strand). Cytogenetic location: 11q12.3.
Variant type: single nucleotide variant.
Coding change: c.1030C>T on transcript NM_004183.4 (MANE Select); coding-DNA position 1030, C replaced by T.
Protein change: p.Gln344Ter; replaces glutamine 344 with a stop codon.
Molecular consequence: nonsense. On other transcripts: synonymous variant (1), non-coding transcript variant (1).
Genome position (GRCh38, 1-based): chr11:61,959,973, C>T. VCF-style: chr11-61959973-C-T. GRCh37 (hg19) VCF-style: chr11-61727445-C-T.
Other names: c.850C>T, p.Gln284Ter (NM_001139443.3, NM_001300787.2); c.769C>T, p.Gln257Ter (NM_001300786.2); c.712C>T, p.Gln238Ter (NM_001363591.3); c.1233C>T, p.His411= (NM_001363592.2); c.58C>T, p.Gln20Ter (NM_001363593.3); short protein forms Q344*, Q257*, Q284*, Q238*, Q20*.
Identifiers: ClinVar variation 635997 (VCV000635997.3), dbSNP rs1591303900, ClinGen allele CA380846247.
Genomic context (GRCh38, chr11:61,959,973, plus strand): 5'-GAGATGCACCAGGACCTGCCTCGGATGGAGCCGGACATGTACTGGAATAAGCCCGAGCCA[C>T]AGCCCCCCTACACAGCTGCTTCCGCCCAGTTCCGTCGAGCCTCCTTTATGGGCTCCACCT-3'